The following is an entry in ClinVar:

ClinVar aggregate classification (germline): Likely benign. Review status: criteria provided, multiple submitters, no conflicts (2 of 4 stars). 2 submissions from 2 submitters: Likely benign (2). Last evaluated 2026-07-01.

Conditions:
Hypoplastic enamel-onycholysis-hypohidrosis syndrome (TNS). Also called: NAIL DYSPLASIA WITH HYPODONTIA; WITKOP SYNDROME; ECTODERMAL DYSPLASIA 3, WITKOP TYPE; Tooth-and-Nail Syndrome; ECTODERMAL DYSPLASIA 3, TOOTH/NAIL TYPE. Identifiers: Orphanet 2228, MedGen C0406735, MONDO:0008582, OMIM 189500.

Allele frequency attached by ClinVar (database versions not stated): ExAC 0.00013; TOPMed 0.00014; 1000 Genomes Project 30x 0.00016; 1000 Genomes Project 0.00020; gnomAD exomes 0.00021.

Submissions (2):

CeGaT Center for Human Genetics Tuebingen
Classification: Likely benign. Last evaluated: 2026-07-01. Review status: criteria provided, single submitter. Criteria: CeGaT Center For Human Genetics Tuebingen Variant Classification Criteria Version 2. Collection method: clinical testing. Allele origin: germline. Affected: yes. Observed: 1 variant allele.
Comment: MSX1: BS2

Labcorp Genetics (formerly Invitae), Labcorp
Classification: Likely benign for Hypoplastic enamel-onycholysis-hypohidrosis syndrome. Last evaluated: 2026-01-12. Review status: criteria provided, single submitter. Criteria: Invitae Variant Classification Sherloc (09022015). Collection method: clinical testing. Allele origin: germline.

NM_002448.3(MSX1):c.778C>A (p.Pro260Thr)

Gene: MSX1 (msh homeobox 1; plus strand). Cytogenetic location: 4p16.2.
Variant type: single nucleotide variant.
Coding change: c.778C>A on transcript NM_002448.3 (MANE Select); coding-DNA position 778, C replaced by A.
Protein change: p.Pro260Thr; replaces proline 260 with threonine.
Molecular consequence: missense variant.
Genome position (GRCh38, 1-based): chr4:4,863,009, C>A. VCF-style: chr4-4863009-C-A. GRCh37 (hg19) VCF-style: chr4-4864736-C-A.
Other names: short protein forms P260T.
Identifiers: ClinVar variation 703322 (VCV000703322.11), dbSNP rs535538923, ClinGen allele CA2833115.